The following is an entry in ClinVar:

NM_004329.3(BMPR1A):c.725A>G (p.Lys242Arg)

Gene: BMPR1A (bone morphogenetic protein receptor type 1A; plus strand). Cytogenetic location: 10q23.2.
Variant type: single nucleotide variant.
Coding change: c.725A>G on transcript NM_004329.3 (MANE Select); coding-DNA position 725, A replaced by G.
Protein change: p.Lys242Arg; replaces lysine 242 with arginine.
Molecular consequence: missense variant.
Genome position (GRCh38, 1-based): chr10:86,917,183, A>G. VCF-style: chr10-86917183-A-G. GRCh37 (hg19) VCF-style: chr10-88676940-A-G.
Other names: short protein forms K242R.
Identifiers: ClinVar variation 489700 (VCV000489700.8), dbSNP rs762926637, ClinGen allele CA5585592.

ClinVar aggregate classification (germline): Conflicting classifications of pathogenicity. Review status: criteria provided, conflicting classifications (1 of 4 stars). 4 submissions from 4 submitters: Uncertain significance (3); Benign (1). Last evaluated 2026-01-28.

Conditions:
Juvenile polyposis syndrome (JPS). Identifiers: Orphanet 2929, MedGen C0345893, MONDO:0017380, OMIM 174900.
Hereditary cancer-predisposing syndrome. Also called: Tumor predisposition; Neoplastic Syndromes, Hereditary; Hereditary Cancer Syndrome; Hereditary neoplastic syndrome. Identifiers: Orphanet 140162, MedGen C0027672, MeSH D009386, MONDO:0015356.

Allele frequency attached by ClinVar (database versions not stated): gnomAD exomes 0.00001 and 0.00002; ExAC 0.00002.
gnomAD v4.1: 8 of 1,614,122 alleles (0.0005%); highest among the groups gnomAD compares: South Asian, 0.0088%; no homozygotes.

Submissions (4):

Labcorp Genetics (formerly Invitae), Labcorp
Classification: Uncertain significance for Juvenile polyposis syndrome. Last evaluated: 2026-01-28. Review status: criteria provided, single submitter. Criteria: Invitae Variant Classification Sherloc (09022015). Collection method: clinical testing. Allele origin: germline.
Comment: This sequence change replaces lysine, which is basic and polar, with arginine, which is basic and polar, at codon 242 of the BMPR1A protein (p.Lys242Arg). This variant is present in population databases (rs762926637, gnomAD 0.01%). This variant has not been reported in the literature in individuals affected with BMPR1A-related conditions. ClinVar contains an entry for this variant (Variation ID: 489700). Invitae Evidence Modeling of protein sequence and biophysical properties (such as structural, functional, and spatial information, amino acid conservation, physicochemical variation, residue mobility, and thermodynamic stability) indicates that this missense variant is not expected to disrupt BMPR1A protein function with a negative predictive value of 80%. In summary, the available evidence is currently insufficient to determine the role of this variant in disease. Therefore, it has been classified as a Variant of Uncertain Significance.

Ambry Genetics
Classification: Benign for Hereditary cancer-predisposing syndrome. Last evaluated: 2024-08-13. Review status: criteria provided, single submitter. Criteria: Ambry Variant Classification Scheme 2023. Collection method: clinical testing. Allele origin: germline.

GeneDx
Classification: Uncertain significance. Last evaluated: 2023-11-09. Review status: criteria provided, single submitter. Criteria: GeneDx Variant Classification Process June 2021. Collection method: clinical testing. Allele origin: germline. Affected: yes.
Comment: Not observed at significant frequency in large population cohorts (gnomAD); In silico analysis supports that this missense variant has a deleterious effect on protein structure/function; Has not been previously published as pathogenic or benign to our knowledge; This variant is associated with the following publications: (PMID: 15235019)

Color Diagnostics, LLC DBA Color Health
Classification: Uncertain significance for Hereditary cancer-predisposing syndrome. Last evaluated: 2019-02-28. Review status: criteria provided, single submitter. Criteria: ACMG Guidelines, 2015. Collection method: clinical testing. Allele origin: germline.